The following is an entry in ClinVar:

ClinVar aggregate classification (germline): Uncertain significance (1 of 4 stars; one submission).

Submission:

CeGaT Center for Human Genetics Tuebingen
Classification: Uncertain significance. Last evaluated: 2023-11-01. Review status: criteria provided, single submitter. Criteria: CeGaT Center For Human Genetics Tuebingen Variant Classification Criteria Version 2. Collection method: clinical testing. Allele origin: germline. Affected: yes. Observed: 1 variant allele.
Comment: DSP: PM2

NM_004415.4(DSP):c.6568T>C (p.Cys2190Arg)

Gene: DSP (desmoplakin; plus strand). Cytogenetic location: 6p24.3.
Variant type: single nucleotide variant.
Coding change: c.6568T>C on transcript NM_004415.4 (MANE Select); coding-DNA position 6568, T replaced by C.
Protein change: p.Cys2190Arg; replaces cysteine 2190 with arginine.
Molecular consequence: missense variant.
Genome position (GRCh38, 1-based): chr6:7,583,830, T>C. VCF-style: chr6-7583830-T-C. GRCh37 (hg19) VCF-style: chr6-7584063-T-C.
Other names: c.4771T>C, p.Cys1591Arg (NM_001008844.3); c.5239T>C, p.Cys1747Arg (NM_001319034.2); short protein forms C1591R, C1747R, C2190R.
Identifiers: ClinVar variation 2673042 (VCV002673042.23), dbSNP rs2533942034, ClinGen allele CA362691073.